The following is an entry in ClinVar:

ClinVar aggregate classification (germline): Uncertain significance. Review status: criteria provided, multiple submitters, no conflicts (2 of 4 stars). 2 submissions from 2 submitters: Uncertain significance (2). Last evaluated 2022-11-09.

Conditions:
Intellectual developmental disorder with seizures and language delay (IDDSELD). Identifiers: MedGen C5436574, MONDO:0033559, OMIM 619000.
Inborn genetic diseases. Identifiers: MedGen C0950123, MeSH D030342.

Allele frequency attached by ClinVar (database versions not stated): TOPMed 0.00001; gnomAD 0.00001.
gnomAD v4.1: 6 of 1,548,654 alleles (0.00039%); highest among the groups gnomAD compares: Non-Finnish European, 0.00044%; no homozygotes.

Submissions (2):

Laboratorio de Genetica e Diagnostico Molecular, Hospital Israelita Albert Einstein
Classification: Uncertain significance for Intellectual developmental disorder with seizures and language delay. Last evaluated: 2022-11-09. Review status: criteria provided, single submitter. Criteria: ACMG Guidelines, 2015. Collection method: clinical testing. Allele origin: germline. Affected: yes.
Comment: ACMG classification criteria: PM2 moderate, BP4 supporting

Ambry Genetics
Classification: Uncertain significance for Inborn genetic diseases. Last evaluated: 2022-08-29. Review status: criteria provided, single submitter. Criteria: Ambry Variant Classification Scheme 2023. Collection method: clinical testing. Allele origin: germline.

NM_001353345.2(SETD1B):c.1281G>C (p.Glu427Asp)

Gene: SETD1B (SET domain containing 1B, histone lysine methyltransferase; plus strand). Cytogenetic location: 12q24.31.
Variant type: single nucleotide variant.
Coding change: c.1281G>C on transcript NM_001353345.2 (MANE Select); coding-DNA position 1281, G replaced by C.
Protein change: p.Glu427Asp; replaces glutamic acid 427 with aspartic acid.
Molecular consequence: missense variant.
Genome position (GRCh38, 1-based): chr12:121,810,226, G>C. VCF-style: chr12-121810226-G-C. GRCh37 (hg19) VCF-style: chr12-122248132-G-C.
Other names: NM_015048.1:c.1281G>C; short protein forms E427D.
Identifiers: ClinVar variation 2324401 (VCV002324401.4), dbSNP rs1221941974, ClinGen allele CA386991249.
Genomic context (GRCh38, chr12:121,810,226, plus strand): 5'-CCCTCCACCCCCGGAAGAGCCCACCGCCACAGCCGCTTTTGGGGCCCGCGACAGTGGGGA[G>C]TTCCGGAGGGCACCGGCGCCCCCACCCCTGCCACCTGCTGAGCCTCTGGCCAAGGAGAAG-3'
Protein context (NP_001340274.1, residues 417-437): TAAFGARDSG[Glu427Asp]FRRAPAPPPL